The following is an entry in ClinVar:

NM_020987.5(ANK3):c.2848A>C (p.Thr950Pro)

Gene: ANK3 (ankyrin 3; minus strand). Cytogenetic location: 10q21.2.
Variant type: single nucleotide variant.
Coding change: c.2848A>C on transcript NM_020987.5 (MANE Select); coding-DNA position 2848, A replaced by C.
Protein change: p.Thr950Pro; replaces threonine 950 with proline.
Molecular consequence: missense variant.
Genome position (GRCh38, 1-based): chr10:60,114,325, T>G on the plus strand (A>C on the coding strand, the complement: ANK3 is on the minus strand). VCF-style: chr10-60114325-T-G. GRCh37 (hg19) VCF-style: chr10-61874083-T-G.
Other names: c.250A>C, p.Thr84Pro (NM_001149.4); c.2830A>C, p.Thr944Pro (NM_001204403.2); c.2851A>C, p.Thr951Pro (NM_001204404.2); c.2848A>C, p.Thr950Pro (NM_001320874.2); short protein forms T84P, T944P, T950P, T951P.
Identifiers: ClinVar variation 4527335 (VCV004527335.1).

ClinVar aggregate classification (germline): Uncertain significance (1 of 4 stars; one submission).

gnomAD v4.1: 24 of 1,587,124 alleles (0.0015%); highest among the groups gnomAD compares: Non-Finnish European, 0.0021%; no homozygotes.

Submission:

GeneDx
Classification: Uncertain significance. Last evaluated: 2025-04-23. Review status: criteria provided, single submitter. Criteria: GeneDx Variant Classification Process June 2021. Collection method: clinical testing. Allele origin: germline. Affected: yes.
Comment: Not observed at significant frequency in large population cohorts (gnomAD); In silico analysis supports that this missense variant has a deleterious effect on protein structure/function; Has not been previously published as pathogenic or benign to our knowledge